The following is an entry in ClinVar:

NM_177438.3(DICER1):c.1189_1190del (p.Ser397fs)

Gene: DICER1 (dicer 1, ribonuclease III; minus strand). Cytogenetic location: 14q32.13.
Variant type: Deletion.
Coding change: c.1189_1190del on transcript NM_177438.3 (MANE Select); coding-DNA positions 1189 to 1190, 2 bases deleted (AG; older notation c.1189_1190delAG).
Protein change: p.Ser397fs; shifts the reading frame from serine 397.
Molecular consequence: frameshift variant.
Genome position (GRCh38, 1-based): chr14:95,124,382-95,124,383, CT deleted on the plus strand (AG on the coding strand, the reverse complement: DICER1 is on the minus strand). VCF-style (leftmost placement, unchanged base first): chr14-95124381-GCT-G. GRCh37 (hg19) VCF-style: chr14-95590718-GCT-G.
Other names: c.1189_1190del, p.Ser397fs (NM_001195573.1, NM_001271282.3, NM_001291628.2 and 1 more transcripts); short protein forms S397fs.
Identifiers: ClinVar variation 933050 (VCV000933050.3), dbSNP rs1893209726, ClinGen allele CA1139663728.

ClinVar aggregate classification (germline): Pathogenic (1 of 4 stars; one submission).

Conditions:
DICER1-related tumor predisposition. Also called: DICER1-related pleuropulmonary blastoma cancer predisposition syndrome; DICER1 syndrome. Identifiers: Orphanet 284343, MedGen C3839822, MONDO:0100216.

Submission:

Foulkes Cancer Genetics LDI, Lady Davis Institute for Medical Research
Classification: Pathogenic for Pleuropulmonary blastoma. Last evaluated: 2019-07-01. Review status: criteria provided, single submitter. Criteria: ACMG Guidelines, 2015. Collection method: curation. Allele origin: germline. Affected: yes. Observed: 1 variant allele.
Comment: ACMG criteria met: PVS1, PM2, PP4

Literature cited by the submitters: PubMed 24481001.